The following is an entry in ClinVar:

ClinVar aggregate classification (germline): Uncertain significance (1 of 4 stars; one submission).

Conditions:
Hereditary cancer-predisposing syndrome. Also called: Neoplastic Syndromes, Hereditary; Tumor predisposition; Hereditary neoplastic syndrome; Hereditary Cancer Syndrome. Identifiers: Orphanet 140162, MedGen C0027672, MeSH D009386, MONDO:0015356.

Submission:

Ambry Genetics
Classification: Uncertain significance for Hereditary cancer-predisposing syndrome. Last evaluated: 2023-02-20. Review status: criteria provided, single submitter. Criteria: Ambry Variant Classification Scheme 2023. Collection method: clinical testing. Allele origin: germline.
Comment: The p.D759E variant (also known as c.2277T>G), located in coding exon 14 of the DICER1 gene, results from a T to G substitution at nucleotide position 2277. The aspartic acid at codon 759 is replaced by glutamic acid, an amino acid with highly similar properties. This amino acid position is conserved. In addition, this alteration is predicted to be tolerated by in silico analysis. Since supporting evidence is limited at this time, the clinical significance of this alteration remains unclear.

NM_177438.3(DICER1):c.2277T>G (p.Asp759Glu)

Gene: DICER1 (dicer 1, ribonuclease III; minus strand). Cytogenetic location: 14q32.13.
Variant type: single nucleotide variant.
Coding change: c.2277T>G on transcript NM_177438.3 (MANE Select); coding-DNA position 2277, T replaced by G.
Protein change: p.Asp759Glu; replaces aspartic acid 759 with glutamic acid.
Molecular consequence: missense variant. On other transcripts: non-coding transcript variant (6).
Genome position (GRCh38, 1-based): chr14:95,108,483, A>C on the plus strand (T>G on the coding strand, the complement: DICER1 is on the minus strand). VCF-style: chr14-95108483-A-C. GRCh37 (hg19) VCF-style: chr14-95574820-A-C.
Other names: c.2277T>G, p.Asp759Glu (NM_001195573.1, NM_001271282.3, NM_001291628.2 and 13 more transcripts); c.1995T>G, p.Asp665Glu (NM_001395686.1); c.1872T>G, p.Asp624Glu (NM_001395687.1, NM_001395688.1, NM_001395689.1 and 2 more transcripts); c.1710T>G, p.Asp570Glu (NM_001395691.1); c.594T>G, p.Asp198Glu (NM_001395697.1); short protein forms D624E, D759E, D198E, D665E, D570E.
Identifiers: ClinVar variation 2451734 (VCV002451734.2), dbSNP rs2542857573, ClinGen allele CA390882395.